The following is an entry in ClinVar:

NM_001845.6(COL4A1):c.*975A>C

Gene: COL4A1 (collagen type IV alpha 1 chain; minus strand). Cytogenetic location: 13q34.
Variant type: single nucleotide variant.
Coding change: c.*975A>C on transcript NM_001845.6 (MANE Select); 975 bases downstream of the stop codon, A replaced by C.
Molecular consequence: 3 prime UTR variant.
Genome position (GRCh38, 1-based): chr13:110,149,388, T>G on the plus strand (A>C on the coding strand, the complement: COL4A1 is on the minus strand). VCF-style: chr13-110149388-T-G. GRCh37 (hg19) VCF-style: chr13-110801735-T-G.
Identifiers: ClinVar variation 311006 (VCV000311006.9), dbSNP rs28362515, ClinGen allele CA10642759.

ClinVar aggregate classification (germline): Benign/Likely benign. Review status: criteria provided, multiple submitters, no conflicts (2 of 4 stars). 3 submissions from 2 submitters: Benign (2); Likely benign (1). Last evaluated 2018-01-12.

Conditions:
Brain small vessel disease 1 with or without ocular anomalies (BSVD1). Also called: BRAIN SMALL VESSEL DISEASE WITH HEMORRHAGE; GOULD SYNDROME 1; PORENCEPHALY, TYPE 1, AUTOSOMAL DOMINANT; Brain small vessel disease with or without ocular anomalies. Identifiers: Orphanet 2940, Orphanet 36383, Orphanet 99810, MedGen C4755307, MONDO:0008289, OMIM 175780.
Autosomal dominant familial hematuria-retinal arteriolar tortuosity-contractures syndrome. Also called: Angiopathy, hereditary, with nephropathy, aneurysms, and muscle cramps; Hereditary Angiopathy with Nephropathy, Aneurysms, and Muscle Cramps (HANAC) Syndrome. Identifiers: Orphanet 73229, MedGen C2673195, MONDO:0012726, OMIM 611773.

Allele frequency attached by ClinVar (database versions not stated): gnomAD exomes 0.00046; gnomAD 0.00280 and 0.00327; TOPMed 0.00502; 1000 Genomes Project 0.01178; 1000 Genomes Project 30x 0.01187.
gnomAD v4.1: 496 of 154,772 alleles (0.32%); highest among the groups gnomAD compares: East Asian, 5.4%; 10 homozygotes.

Submissions (3):

Illumina Laboratory Services, Illumina
Classification: Benign for Autosomal dominant familial hematuria-retinal arteriolar tortuosity-contractures syndrome. Last evaluated: 2018-01-12. Review status: criteria provided, single submitter. Criteria: ICSL Variant Classification Criteria 13 December 2019. Collection method: clinical testing. Allele origin: germline.
Comment: This variant was observed in the ICSL laboratory as part of a predisposition screen in an ostensibly healthy population. It had not been previously curated by ICSL or reported in the Human Gene Mutation Database (HGMD: prior to June 1st, 2018), and was therefore a candidate for classification through an automated scoring system. Utilizing variant allele frequency, disease prevalence and penetrance estimates, and inheritance mode, an automated score was calculated to assess if this variant is too frequent to cause the disease. Based on the score and internal cut-off values, a variant classified as benign is not then subjected to further curation. The score for this variant resulted in a classification of benign for this disease.

Illumina Laboratory Services, Illumina
Classification: Benign for Brain small vessel disease 1 with or without ocular anomalies. Last evaluated: 2018-01-12. Review status: criteria provided, single submitter. Criteria: ICSL Variant Classification Criteria 13 December 2019. Collection method: clinical testing. Allele origin: germline.
Comment: the same text as in the submission from Illumina Laboratory Services, Illumina above.

Breakthrough Genomics
Classification: Likely benign. Review status: criteria provided, single submitter. Criteria: ACMG Guidelines, 2015. Collection method: not provided. Allele origin: germline. Inheritance: Autosomal dominant inheritance. Affected: yes.